The following is an entry in ClinVar:

ClinVar aggregate classification (germline): Conflicting classifications of pathogenicity. Review status: criteria provided, conflicting classifications (1 of 4 stars). 4 submissions from 4 submitters: Uncertain significance (2); Likely benign (2). Last evaluated 2025-11-12.

Conditions:
Autosomal dominant limb-girdle muscular dystrophy type 1F (LGMDD2). Also called: Limb-girdle muscular dystrophy, type 1F; MUSCULAR DYSTROPHY, LIMB-GIRDLE, AUTOSOMAL DOMINANT 2. Identifiers: Orphanet 55595, MedGen C1842062, MONDO:0012034, OMIM 608423.

Allele frequency attached by ClinVar (database versions not stated): gnomAD 0.00012 and 0.00013; ExAC 0.00013; gnomAD exomes 0.00013; ESP Exome Variant Server 0.00015; TOPMed 0.00017.

Submissions (4):

Labcorp Genetics (formerly Invitae), Labcorp
Classification: Likely benign for Autosomal dominant limb-girdle muscular dystrophy type 1F. Last evaluated: 2025-11-12. Review status: criteria provided, single submitter. Criteria: Invitae Variant Classification Sherloc (09022015). Collection method: clinical testing. Allele origin: germline.

Revvity Omics, Revvity
Classification: Likely benign for Autosomal dominant limb-girdle muscular dystrophy type 1F. Last evaluated: 2024-04-29. Review status: criteria provided, single submitter. Criteria: ACMG Guidelines, 2015. Collection method: clinical testing. Allele origin: germline.

GeneDx
Classification: Uncertain significance. Last evaluated: 2017-09-22. Review status: criteria provided, single submitter. Criteria: GeneDx Variant Classification (06012015). Collection method: clinical testing. Allele origin: germline. Affected: yes.
Comment: A variant of uncertain significance has been identified in the TNPO3 gene. The R286H variant has not been published as a pathogenic variant, nor has it been reported as a benign variant to our knowledge. The R286H variant is observed in 12/8654 (0.14%) alleles from individuals of East Asian background (Lek et al., 2016). The R286H variant is a conservative amino acid substitution, which is not likely to impact secondary protein structure as these residues share similar properties. However, this substitution occurs at a position that is conserved across species; and in silico analysis predicts this variant is probably damaging to the protein structure/function. Therefore, based on the currently available information, it is unclear whether this variant is a pathogenic variant or a rare benign variant.

Eurofins Ntd Llc (ga)
Classification: Uncertain significance. Last evaluated: 2016-01-04. Review status: criteria provided, single submitter. Criteria: EGL Classification Definitions 2015. Collection method: clinical testing. Allele origin: germline. Observed: 1 variant allele, 1 heterozygote.

NM_012470.4(TNPO3):c.857G>A (p.Arg286His)

Gene: TNPO3 (transportin 3; minus strand). Cytogenetic location: 7q32.1.
Variant type: single nucleotide variant.
Coding change: c.857G>A on transcript NM_012470.4 (MANE Select); coding-DNA position 857, G replaced by A.
Protein change: p.Arg286His; replaces arginine 286 with histidine.
Molecular consequence: missense variant. On other transcripts: non-coding transcript variant (18).
Genome position (GRCh38, 1-based): chr7:129,001,074, C>T on the plus strand (G>A on the coding strand, the complement: TNPO3 is on the minus strand). VCF-style: chr7-129001074-C-T. GRCh37 (hg19) VCF-style: chr7-128641128-C-T.
Other names: c.857G>A, p.Arg286His (NM_001191028.3, NM_001382216.1, NM_001382218.1 and 4 more transcripts); c.938G>A, p.Arg313His (NM_001382217.1); c.713G>A, p.Arg238His (NM_001382221.1); short protein forms R286H, R238H, R313H.
Identifiers: ClinVar variation 285330 (VCV000285330.18), dbSNP rs140709222, ClinGen allele CA4478314.